The following is an entry in ClinVar:

ClinVar aggregate classification (germline): Pathogenic (1 of 4 stars; one submission).

Conditions:
Lysosomal acid lipase deficiency. Also called: Acid cholesteryl ester hydrolase deficiency, type 2. Identifiers: Orphanet 275761, MedGen C5574740, MONDO:0800449, MONDO:0010204.

Submission:

Labcorp Genetics (formerly Invitae), Labcorp
Classification: Pathogenic for Lysosomal acid lipase deficiency. Last evaluated: 2019-09-16. Review status: criteria provided, single submitter. Criteria: Invitae Variant Classification Sherloc (09022015). Collection method: clinical testing. Allele origin: germline.
Comment: This variant is an out-of-frame deletion of the genomic region encompassing exon 4 of the LIPA gene. This is expected to create a premature translational stop signal and result in an absent or disrupted protein product. This variant has been observed to segregate with lysosomal acid lipase (LAL) deficiency in a family (PMID: 26350820). Loss-of-function variants in LIPA are known to be pathogenic (PMID: 23485521). For these reasons, this variant has been classified as Pathogenic.

Literature cited by the submitters: PubMed 26350820.

NC_000010.11:g.(?_89228180)_(89228418_?)del

Gene: LIPA (lipase A, lysosomal acid type; minus strand). Cytogenetic location: 10q23.31.
Variant type: Deletion.
Identifiers: ClinVar variation 830947 (VCV000830947.2).